The following is an entry in ClinVar:

NM_001128205.2(SULF1):c.97C>T (p.Arg33Trp)

Gene: SULF1 (sulfatase 1; plus strand). Cytogenetic location: 8q13.2.
Variant type: single nucleotide variant.
Coding change: c.97C>T on transcript NM_001128205.2 (MANE Select); coding-DNA position 97, C replaced by T.
Protein change: p.Arg33Trp; replaces arginine 33 with tryptophan.
Molecular consequence: missense variant. On other transcripts: non-coding transcript variant (6), 5 prime UTR variant (5).
Genome position (GRCh38, 1-based): chr8:69,564,072, C>T. VCF-style: chr8-69564072-C-T. GRCh37 (hg19) VCF-style: chr8-70476307-C-T.
Other names: c.97C>T, p.Arg33Trp (NM_001128204.2, NM_001128206.2, NM_001412828.1 and 18 more transcripts); c.-113C>T (NM_001412841.1, NM_001412842.1); c.-430C>T (NM_001412844.1, NM_001412845.1); c.-1605C>T (NM_001412846.1); short protein forms R33W.
Identifiers: ClinVar variation 4760255 (VCV004760255.1).

ClinVar aggregate classification (germline): Uncertain significance (1 of 4 stars; one submission).

gnomAD v4.1: 21 of 1,614,144 alleles (0.0013%); highest among the groups gnomAD compares: Non-Finnish European, 0.0015%; no homozygotes.

Submission:

Labcorp Genetics (formerly Invitae), Labcorp
Classification: Uncertain significance. Last evaluated: 2026-01-18. Review status: criteria provided, single submitter. Criteria: Invitae Variant Classification Sherloc (09022015). Collection method: clinical testing. Allele origin: germline.
Comment: This sequence change replaces arginine, which is basic and polar, with tryptophan, which is neutral and slightly polar, at codon 33 of the SULF1 protein (p.Arg33Trp). This variant is not present in population databases (gnomAD no frequency). This variant has not been reported in the literature in individuals affected with SULF1-related conditions. An algorithm developed to predict the effect of missense changes on protein structure and function (PolyPhen-2) suggests that this variant is likely to be disruptive. In summary, the available evidence is currently insufficient to determine the role of this variant in disease. Therefore, it has been classified as a Variant of Uncertain Significance.